The following is an entry in ClinVar:

NM_017433.5(MYO3A):c.2705A>C (p.Asn902Thr)

Gene: MYO3A (myosin IIIA; plus strand). Cytogenetic location: 10p12.1.
Variant type: single nucleotide variant.
Coding change: c.2705A>C on transcript NM_017433.5 (MANE Select); coding-DNA position 2705, A replaced by C.
Protein change: p.Asn902Thr; replaces asparagine 902 with threonine.
Molecular consequence: missense variant.
Genome position (GRCh38, 1-based): chr10:26,153,919, A>C. VCF-style: chr10-26153919-A-C. GRCh37 (hg19) VCF-style: chr10-26442848-A-C.
Other names: short protein forms N902T.
Identifiers: ClinVar variation 228981 (VCV000228981.19), dbSNP rs142823078, ClinGen allele CA5445033.

ClinVar aggregate classification (germline): Conflicting classifications of pathogenicity. Review status: criteria provided, conflicting classifications (1 of 4 stars). 5 submissions from 5 submitters: Uncertain significance (2); Benign (2); Likely benign (1). Last evaluated 2025-04-17.

Conditions:
Autosomal recessive nonsyndromic hearing loss 30. Identifiers: Orphanet 90636, MedGen C1846784, MONDO:0011774, OMIM 607101.

Allele frequency attached by ClinVar (database versions not stated): gnomAD exomes 0.00024 and 0.00059; gnomAD 0.00025 and 0.00026; TOPMed 0.00033; ESP Exome Variant Server 0.00039; ExAC 0.00045.
gnomAD v4.1: 417 of 1,590,932 alleles (0.026%); highest among the groups gnomAD compares: Non-Finnish European, 0.0063%; no homozygotes.

Submissions (5):

Labcorp Genetics (formerly Invitae), Labcorp
Classification: Benign. Last evaluated: 2025-04-17. Review status: criteria provided, single submitter. Criteria: Invitae Variant Classification Sherloc (09022015). Collection method: clinical testing. Allele origin: germline.

Blueprint Genetics
Classification: Benign. Last evaluated: 2024-07-22. Review status: criteria provided, single submitter. Criteria: ACMG Guidelines, 2015. Collection method: clinical testing. Allele origin: germline.

GeneDx
Classification: Likely benign. Last evaluated: 2020-05-12. Review status: criteria provided, single submitter. Criteria: GeneDx Variant Classification Process June 2021. Collection method: clinical testing. Allele origin: germline. Affected: yes.

Illumina Laboratory Services, Illumina
Classification: Uncertain significance for Autosomal recessive nonsyndromic hearing loss 30. Last evaluated: 2018-01-13. Review status: criteria provided, single submitter. Criteria: ICSL Variant Classification Criteria 13 December 2019. Collection method: clinical testing. Allele origin: germline.

Laboratory for Molecular Medicine, Mass General Brigham Personalized Medicine
Classification: Uncertain significance. Last evaluated: 2015-02-19. Review status: criteria provided, single submitter. Criteria: LMM Criteria. Collection method: clinical testing. Allele origin: germline. Observed: 1 variant allele.
Comment: Variant classified as Uncertain Significance - Favor Benign. The p.Asn902Thr var iant in MYO3A has not been previously reported in individuals with hearing loss, but has been identified in 0.1% (50/62846) of European chromosomes by the Exome Aggregation Consortium (ExAC; dbSNP rs142823078 ) and 0.8% (3/400) of Ashkenazi Jewish control chromosomes by the Deafness Varia tion Database. Although this variant has been seen in the general population, its frequency is not high enough to rule o ut a pathogenic role. Computational prediction tools and conservation analysis s uggest that this variant may not impact the protein, though this information is not predictive enough to rule out pathogenicity. In summary, while the clinical significance of the p.Asn902Thr variant is uncertain, these data suggest that it is more likely to be benign.